The following is an entry in ClinVar:

ClinVar aggregate classification (germline): Uncertain significance (1 of 4 stars; one submission).

gnomAD v4.1: 2 of 1,613,846 alleles (0.00012%); highest among the groups gnomAD compares: Non-Finnish European, 0.00017%; no homozygotes.

Submission:

Labcorp Genetics (formerly Invitae), Labcorp
Classification: Uncertain significance. Last evaluated: 2022-03-20. Review status: criteria provided, single submitter. Criteria: Invitae Variant Classification Sherloc (09022015). Collection method: clinical testing. Allele origin: germline.
Comment: In summary, the available evidence is currently insufficient to determine the role of this variant in disease. Therefore, it has been classified as a Variant of Uncertain Significance. Experimental studies and prediction algorithms are not available or were not evaluated, and the functional significance of this variant is currently unknown. This variant has not been reported in the literature in individuals affected with COL18A1-related conditions. This variant is not present in population databases (gnomAD no frequency). This sequence change replaces glutamine, which is neutral and polar, with histidine, which is basic and polar, at codon 78 of the COL18A1 protein (p.Gln78His).

NM_001379500.1(COL18A1):c.234A>T (p.Gln78His)

Gene: COL18A1 (collagen type XVIII alpha 1 chain; plus strand). Cytogenetic location: 21q22.3.
Variant type: single nucleotide variant.
Coding change: c.234A>T on transcript NM_001379500.1 (MANE Select); coding-DNA position 234, A replaced by T.
Protein change: p.Gln78His; replaces glutamine 78 with histidine.
Molecular consequence: missense variant.
Genome position (GRCh38, 1-based): chr21:45,468,369, A>T. VCF-style: chr21-45468369-A-T. GRCh37 (hg19) VCF-style: chr21-46888283-A-T.
Other names: c.774A>T, p.Gln258His (NM_030582.4); c.1479A>T, p.Gln493His (NM_130444.3); short protein forms Q258H, Q78H, Q493H.
Identifiers: ClinVar variation 2099664 (VCV002099664.4), dbSNP rs2517557827, ClinGen allele CA410511627.